The following is an entry in ClinVar:

ClinVar aggregate classification (germline): Uncertain significance (1 of 4 stars; one submission).

Submission:

GeneDx
Classification: Uncertain significance. Last evaluated: 2022-09-16. Review status: criteria provided, single submitter. Criteria: GeneDx Variant Classification Process June 2021. Collection method: clinical testing. Allele origin: germline. Affected: yes.
Comment: Not observed at significant frequency in large population cohorts (gnomAD); In silico analysis supports that this missense variant does not alter protein structure/function; Has not been previously published as pathogenic or benign to our knowledge

NM_152641.4(ARID2):c.3058G>C (p.Ala1020Pro)

Gene: ARID2 (AT-rich interaction domain 2; plus strand). Cytogenetic location: 12q12.
Variant type: single nucleotide variant.
Coding change: c.3058G>C on transcript NM_152641.4 (MANE Select); coding-DNA position 3058, G replaced by C.
Protein change: p.Ala1020Pro; replaces alanine 1020 with proline.
Molecular consequence: missense variant.
Genome position (GRCh38, 1-based): chr12:45,851,181, G>C. VCF-style: chr12-45851181-G-C. GRCh37 (hg19) VCF-style: chr12-46244964-G-C.
Other names: c.3058G>C, p.Ala1020Pro (NM_001347839.2); short protein forms A1020P.
Identifiers: ClinVar variation 2444601 (VCV002444601.1), dbSNP rs1943541804, ClinGen allele CA384482211.